The following is an entry in ClinVar:

ClinVar aggregate classification (germline): Uncertain significance. Review status: criteria provided, multiple submitters, no conflicts (2 of 4 stars). 2 submissions from 2 submitters: Uncertain significance (2). Last evaluated 2025-06-16.

Conditions:
Cardiovascular phenotype. Identifiers: MedGen CN230736.
Noonan syndrome 9 (NS9). Identifiers: Orphanet 648, MedGen C4225282, MONDO:0014691, OMIM 616559.

Allele frequency attached by ClinVar (database versions not stated): ExAC 0.00001.
gnomAD v4.1: 2 of 1,614,206 alleles (0.00012%); highest among the groups gnomAD compares: Admixed American, 0.0017%; no homozygotes.

Submissions (2):

Labcorp Genetics (formerly Invitae), Labcorp
Classification: Uncertain significance for Noonan syndrome 9. Last evaluated: 2025-06-16. Review status: criteria provided, single submitter. Criteria: Invitae Variant Classification Sherloc (09022015). Collection method: clinical testing. Allele origin: germline.
Comment: This sequence change replaces lysine, which is basic and polar, with glutamic acid, which is acidic and polar, at codon 532 of the SOS2 protein (p.Lys532Glu). This variant is present in population databases (rs756469497, gnomAD 0.003%). This variant has not been reported in the literature in individuals affected with SOS2-related conditions. ClinVar contains an entry for this variant (Variation ID: 1775981). Invitae Evidence Modeling of protein sequence and biophysical properties (such as structural, functional, and spatial information, amino acid conservation, physicochemical variation, residue mobility, and thermodynamic stability) has been performed for this missense variant. However, the output from this modeling did not meet the statistical confidence thresholds required to predict the impact of this variant on SOS2 protein function. In summary, the available evidence is currently insufficient to determine the role of this variant in disease. Therefore, it has been classified as a Variant of Uncertain Significance.

Ambry Genetics
Classification: Uncertain significance for Cardiovascular phenotype. Last evaluated: 2021-08-12. Review status: criteria provided, single submitter. Criteria: Ambry Variant Classification Scheme 2023. Collection method: clinical testing. Allele origin: germline.
Comment: The p.K532E variant (also known as c.1594A>G), located in coding exon 10 of the SOS2 gene, results from an A to G substitution at nucleotide position 1594. The lysine at codon 532 is replaced by glutamic acid, an amino acid with similar properties. This amino acid position is conserved. In addition, this alteration is predicted to be deleterious by in silico analysis. Since supporting evidence is limited at this time, the clinical significance of this alteration remains unclear.

NM_006939.4(SOS2):c.1594A>G (p.Lys532Glu)

Gene: SOS2 (SOS Ras/Rho guanine nucleotide exchange factor 2; minus strand). Cytogenetic location: 14q21.3.
Variant type: single nucleotide variant.
Coding change: c.1594A>G on transcript NM_006939.4 (MANE Select); coding-DNA position 1594, A replaced by G.
Protein change: p.Lys532Glu; replaces lysine 532 with glutamic acid.
Molecular consequence: missense variant.
Genome position (GRCh38, 1-based): chr14:50,159,689, T>C on the plus strand (A>G on the coding strand, the complement: SOS2 is on the minus strand). VCF-style: chr14-50159689-T-C. GRCh37 (hg19) VCF-style: chr14-50626407-T-C.
Other names: c.1495A>G, p.Lys499Glu (NM_001411020.1); short protein forms K499E, K532E.
Identifiers: ClinVar variation 1775981 (VCV001775981.3), dbSNP rs756469497, ClinGen allele CA7177262.
Genomic context (GRCh38, chr14:50,159,689, plus strand): 5'-ACATTCGATCTAGAGTACTACGATAATGAAGAGAAATAAGGGCTGCCATCCAGTTGTTTT[T>C]TTCTTCAGCAGACTTAGCAGCAAATATTATGCTGTTCTCATCTTTGGATACTAATTCAAA-3'
Protein context (NP_008870.2, residues 522-542): IIFAAKSAEE[Lys532Glu]NNWMAALISL